The following is an entry in ClinVar:

NM_000478.6(ALPL):c.862+1G>C

Gene: ALPL (alkaline phosphatase, biomineralization associated; plus strand). Cytogenetic location: 1p36.12.
Variant type: single nucleotide variant.
Coding change: c.862+1G>C on transcript NM_000478.6 (MANE Select); the canonical splice donor site of the intron after coding-DNA position 862, G replaced by C.
Molecular consequence: splice donor variant.
Genome position (GRCh38, 1-based): chr1:21,570,375, G>C. VCF-style: chr1-21570375-G-C. GRCh37 (hg19) VCF-style: chr1-21896868-G-C.
Other names: c.862+1G>C (NM_001369805.2, NM_001369804.2, NM_001369803.2); c.697+1G>C (NM_001127501.4); c.631+1G>C (NM_001177520.3).
Identifiers: ClinVar variation 4086835 (VCV004086835.2).

ClinVar aggregate classification (germline): Pathogenic. Review status: criteria provided, multiple submitters, no conflicts (2 of 4 stars). 2 submissions from 2 submitters: Pathogenic (2). Last evaluated 2026-02-12.

Conditions:
Hypophosphatasia. Also called: Phosphoethanol-aminuria. Identifiers: Orphanet 436, MedGen C0020630, MeSH D007014, MONDO:0018570.

Submissions (2):

JKU Lab, Dept of Paediatrics, Johannes Kepler University
Classification: Pathogenic for Hypophosphatasia. Last evaluated: 2026-02-12. Review status: criteria provided, single submitter. Criteria: ACMG Guidelines, 2015. Collection method: curation. Allele origin: germline. Affected: yes.
Comment: The REVEL score is not applicable. Splice AI predictions predict a donor loss: 0.97 (exon 8 skipping out-of-frame). This variant has been reported in the literature in individuals affected with ALPL-related conditions (PMID:36444396).

Genomenon, Inc
Classification: Pathogenic for Hypophosphatasia. Last evaluated: 2025-08-29. Review status: criteria provided, single submitter. Criteria: Genomenon Sequence Variant Interpretation Standards. Collection method: curation. Allele origin: germline. Affected: yes.
Comment: ALPL c.862+1G>C is a canonical splice variant located in the donor splice region of intron 8. This variant has been observed in at least one proband affected with hypophosphatasia (PMID:33601892). A de novo occurrence of this variant has been observed in at least one affected individual (PMID:33601892). It is absent or not present at a significant frequency in gnomAD. In conclusion, we classify ALPL c.862+1G>C as a pathogenic variant.

Literature cited by the submitters: PubMed 36444396 (cited by JKU Lab, Dept of Paediatrics, Johannes Kepler University); PubMed 33601892 (cited by Genomenon, Inc).